The following is an entry in ClinVar:

ClinVar aggregate classification (germline): Conflicting classifications of pathogenicity. Review status: criteria provided, conflicting classifications (1 of 4 stars). 4 submissions from 4 submitters: Uncertain significance (2); Likely benign (2). Last evaluated 2025-03-11.

Conditions:
Ehlers-Danlos syndrome, classic type, 1 (EDSCL1). Also called: Ehlers-Danlos Syndrome, Classic Type, COL5A1-Related; EHLERS-DANLOS SYNDROME, GRAVIS TYPE; EHLERS-DANLOS SYNDROME, SEVERE CLASSIC TYPE; Ehlers-Danlos syndrome, type 1; EDS I. Identifiers: MedGen C0268335, MONDO:0019567, OMIM 130000.
Familial thoracic aortic aneurysm and aortic dissection (TAAD). Also called: Thoracic aortic aneurysms and dissections. Identifiers: Orphanet 91387, MedGen C4707243, MONDO:0019625.

Allele frequency attached by ClinVar (database versions not stated): gnomAD exomes 0.00002 and 0.00006; gnomAD 0.00017 and 0.00018; 1000 Genomes Project 30x 0.00016; ESP Exome Variant Server 0.00023; TOPMed 0.00018; ExAC 0.00008; 1000 Genomes Project 0.00020.
gnomAD v4.1: 49 of 1,610,776 alleles (0.003%); highest among the groups gnomAD compares: African/African-American, 0.063%; no homozygotes.

Submissions (4):

Labcorp Genetics (formerly Invitae), Labcorp
Classification: Likely benign for Ehlers-Danlos syndrome, classic type, 1. Last evaluated: 2025-03-11. Review status: criteria provided, single submitter. Criteria: Invitae Variant Classification Sherloc (09022015). Collection method: clinical testing. Allele origin: germline.

GeneDx
Classification: Uncertain significance. Last evaluated: 2024-10-15. Review status: criteria provided, single submitter. Criteria: GeneDx Variant Classification Process June 2021. Collection method: clinical testing. Allele origin: germline. Affected: yes.
Comment: Has not been previously published as pathogenic or benign to our knowledge; In silico analysis indicates that this missense variant does not alter protein structure/function; Not located in the triple helical region, where the majority of pathogenic missense variants occur (PMID: 22696272; HGMD); This variant is associated with the following publications: (PMID: 22696272)

Ambry Genetics
Classification: Likely benign for Familial thoracic aortic aneurysm and aortic dissection. Last evaluated: 2020-10-06. Review status: criteria provided, single submitter. Criteria: Ambry Variant Classification Scheme 2023. Collection method: clinical testing. Allele origin: germline.

Mayo Clinic Laboratories, Mayo Clinic
Classification: Uncertain significance. Last evaluated: 2019-12-13. Review status: criteria provided, single submitter. Criteria: ACMG Guidelines, 2015. Collection method: clinical testing. Allele origin: germline. Observed: 1 variant allele.

NM_000093.5(COL5A1):c.5060C>A (p.Ser1687Tyr)

Genes: COL5A1 (collagen type V alpha 1 chain; plus strand), LOC101448202 (uncharacterized LOC101448202; minus strand). Cytogenetic location: 9q34.3.
Variant type: single nucleotide variant.
Coding change: c.5060C>A on transcript NM_000093.5 (MANE Select); coding-DNA position 5060, C replaced by A.
Protein change: p.Ser1687Tyr; replaces serine 1687 with tyrosine.
Molecular consequence: missense variant.
Genome position (GRCh38, 1-based): chr9:134,825,897, C>A. VCF-style: chr9-134825897-C-A. GRCh37 (hg19) VCF-style: chr9-137717743-C-A.
Other names: p.S1687Y:TCC>TAC; c.5060C>A, p.Ser1687Tyr (NM_001278074.1); short protein forms S1687Y.
Identifiers: ClinVar variation 213064 (VCV000213064.21), dbSNP rs150083065, ClinGen allele CA323338.